The following is an entry in ClinVar:

NM_016123.4(IRAK4):c.610T>G (p.Tyr204Asp)

Gene: IRAK4 (interleukin 1 receptor associated kinase 4; plus strand). Cytogenetic location: 12q12.
Variant type: single nucleotide variant.
Coding change: c.610T>G on transcript NM_016123.4 (MANE Select); coding-DNA position 610, T replaced by G.
Protein change: p.Tyr204Asp; replaces tyrosine 204 with aspartic acid.
Molecular consequence: missense variant. On other transcripts: intron variant (2).
Genome position (GRCh38, 1-based): chr12:43,773,031, T>G. VCF-style: chr12-43773031-T-G. GRCh37 (hg19) VCF-style: chr12-44166834-T-G.
Other names: c.610T>G, p.Tyr204Asp (NM_001114182.3, NM_001351345.2); c.238T>G, p.Tyr80Asp (NM_001145256.2, NM_001145257.2, NM_001145258.2 and 5 more transcripts); c.42+45T>G (NM_001351343.2, NM_001351344.2); short protein forms Y80D, Y204D.
Identifiers: ClinVar variation 843824 (VCV000843824.10), dbSNP rs1940932293, ClinGen allele CA384471118.

ClinVar aggregate classification (germline): Uncertain significance (1 of 4 stars; one submission).

Conditions:
Immunodeficiency 67. Also called: Immunodeficiency due to interleukin-1 receptor-associated kinase-4 deficiency. Identifiers: Orphanet 70592, MedGen C1843256, MONDO:0011888, OMIM 607676.

Allele frequency attached by ClinVar (database versions not stated): gnomAD exomes below 0.00001.
gnomAD v4.1: 3 of 1,613,278 alleles (0.00019%); highest among the groups gnomAD compares: Middle Eastern, 0.017%; no homozygotes.

Submission:

Labcorp Genetics (formerly Invitae), Labcorp
Classification: Uncertain significance for Immunodeficiency 67. Last evaluated: 2019-03-04. Review status: criteria provided, single submitter. Criteria: Invitae Variant Classification Sherloc (09022015). Collection method: clinical testing. Allele origin: germline.
Comment: This sequence change replaces tyrosine with aspartic acid at codon 204 of the IRAK4 protein (p.Tyr204Asp). The tyrosine residue is weakly conserved and there is a large physicochemical difference between tyrosine and aspartic acid. In summary, the available evidence is currently insufficient to determine the role of this variant in disease. Therefore, it has been classified as a Variant of Uncertain Significance. Algorithms developed to predict the effect of missense changes on protein structure and function (SIFT, PolyPhen-2, Align-GVGD) all suggest that this variant is likely to be tolerated, but these predictions have not been confirmed by published functional studies and their clinical significance is uncertain. This variant has not been reported in the literature in individuals with IRAK4-related conditions. This variant is not present in population databases (ExAC no frequency).